The following is an entry in ClinVar:

NM_001378974.1(FBXW11):c.1252del (p.Arg418fs)

Gene: FBXW11 (F-box and WD repeat domain containing 11; minus strand). Cytogenetic location: 5q35.1.
Variant type: Deletion.
Coding change: c.1252del on transcript NM_001378974.1 (MANE Select); coding-DNA position 1252, one base deleted (C; older notation c.1252delC).
Protein change: p.Arg418fs; shifts the reading frame from arginine 418.
Molecular consequence: frameshift variant.
Genome position (GRCh38, 1-based): chr5:171,872,960, G deleted on the plus strand (C on the coding strand, the reverse complement: FBXW11 is on the minus strand). VCF-style (leftmost placement, unchanged base first): chr5-171872959-CG-C. GRCh37 (hg19) VCF-style: chr5-171299963-CG-C.
Other names: c.1183del, p.Arg395fs (NM_001378975.1); c.1156del, p.Arg386fs (NM_001378976.1); c.1093del, p.Arg365fs (NM_001378977.1, NM_001378978.1, NM_001378979.1); c.1087del, p.Arg363fs (NM_001378980.1, NM_033645.3); c.1189del, p.Arg397fs (NM_012300.3); c.1150del, p.Arg384fs (NM_033644.3); short protein forms R363fs, R365fs, R384fs, R386fs, R395fs, R397fs, R418fs.
Identifiers: ClinVar variation 4075644 (VCV004075644.1).

ClinVar aggregate classification (germline): Uncertain significance (1 of 4 stars; one submission).

Submission:

GeneDx
Classification: Uncertain significance. Last evaluated: 2025-02-14. Review status: criteria provided, single submitter. Criteria: GeneDx Variant Classification Process June 2021. Collection method: clinical testing. Allele origin: germline. Affected: yes.
Comment: Frameshift variant predicted to result in protein truncation or nonsense mediated decay in a gene or region of a gene for which loss of function is not a well-established mechanism of disease; Not observed at significant frequency in large population cohorts (gnomAD); Has not been previously published as pathogenic or benign to our knowledge